The following is an entry in ClinVar:

ClinVar aggregate classification (germline): Uncertain significance (1 of 4 stars; one submission).

Allele frequency attached by ClinVar (database versions not stated): TOPMed 0.00002; gnomAD 0.00004.
gnomAD v4.1: 10 of 1,549,606 alleles (0.00065%); highest among the groups gnomAD compares: African/African-American, 0.014%; no homozygotes.

Submission:

Labcorp Genetics (formerly Invitae), Labcorp
Classification: Uncertain significance. Last evaluated: 2021-08-31. Review status: criteria provided, single submitter. Criteria: Invitae Variant Classification Sherloc (09022015). Collection method: clinical testing. Allele origin: germline.
Comment: This sequence change replaces tyrosine with cysteine at codon 584 of the PDZD7 protein (p.Tyr584Cys). The tyrosine residue is weakly conserved and there is a large physicochemical difference between tyrosine and cysteine. The frequency data for this variant in the population databases is considered unreliable, as metrics indicate insufficient coverage at this position in the ExAC database. This variant has not been reported in the literature in individuals affected with PDZD7-related conditions. Algorithms developed to predict the effect of missense changes on protein structure and function are either unavailable or do not agree on the potential impact of this missense change (SIFT: "Deleterious"; PolyPhen-2: "Not Available"; Align-GVGD: "Class C0"). In summary, the available evidence is currently insufficient to determine the role of this variant in disease. Therefore, it has been classified as a Variant of Uncertain Significance.

NM_001195263.2(PDZD7):c.1751A>G (p.Tyr584Cys)

Gene: PDZD7 (PDZ domain containing 7; minus strand). Cytogenetic location: 10q24.31.
Variant type: single nucleotide variant.
Coding change: c.1751A>G on transcript NM_001195263.2 (MANE Select); coding-DNA position 1751, A replaced by G.
Protein change: p.Tyr584Cys; replaces tyrosine 584 with cysteine.
Molecular consequence: missense variant.
Genome position (GRCh38, 1-based): chr10:101,012,257, T>C on the plus strand (A>G on the coding strand, the complement: PDZD7 is on the minus strand). VCF-style: chr10-101012257-T-C. GRCh37 (hg19) VCF-style: chr10-102772014-T-C.
Other names: short protein forms Y584C.
Identifiers: ClinVar variation 951696 (VCV000951696.7), dbSNP rs573697929, ClinGen allele CA378226702.